The following is an entry in ClinVar:

NM_000245.4(MET):c.305G>A (p.Ser102Asn)

Gene: MET (MET proto-oncogene, receptor tyrosine kinase; plus strand). Cytogenetic location: 7q31.2.
Variant type: single nucleotide variant.
Coding change: c.305G>A on transcript NM_000245.4 (MANE Select); coding-DNA position 305, G replaced by A.
Protein change: p.Ser102Asn; replaces serine 102 with asparagine.
Molecular consequence: missense variant. On other transcripts: intron variant (1).
Genome position (GRCh38, 1-based): chr7:116,699,389, G>A. VCF-style: chr7-116699389-G-A. GRCh37 (hg19) VCF-style: chr7-116339443-G-A.
Other names: c.305G>A, p.Ser102Asn (NM_001127500.3, NM_001324401.3); c.-91+26812G>A (NM_001324402.2); short protein forms S102N.
Identifiers: ClinVar variation 584707 (VCV000584707.15), dbSNP rs779897466, ClinGen allele CA4447972.

ClinVar aggregate classification (germline): Conflicting classifications of pathogenicity. Review status: criteria provided, conflicting classifications (1 of 4 stars). 4 submissions from 4 submitters: Uncertain significance (2); Likely benign (2). Last evaluated 2026-05-15.

Conditions:
Renal cell carcinoma. Identifiers: Orphanet 217071, MedGen C0007134, MeSH D002292, MONDO:0005086, HP:0005584.
Hereditary cancer-predisposing syndrome. Also called: Tumor predisposition; Hereditary Cancer Syndrome; Neoplastic Syndromes, Hereditary; Hereditary neoplastic syndrome. Identifiers: Orphanet 140162, MedGen C0027672, MeSH D009386, MONDO:0015356.
Hereditary cancer. Identifiers: MedGen C1333600.

Allele frequency attached by ClinVar (database versions not stated): gnomAD exomes below 0.00001 and 0.00001; gnomAD 0.00001; TOPMed below 0.00001; ExAC 0.00001.
gnomAD v4.1: 8 of 1,613,926 alleles (0.0005%); highest among the groups gnomAD compares: Admixed American, 0.0017%; no homozygotes.

Submissions (4):

Ambry Genetics
Classification: Likely benign for Hereditary cancer-predisposing syndrome. Last evaluated: 2026-05-15. Review status: criteria provided, single submitter. Criteria: Ambry Variant Classification Scheme 2023. Collection method: clinical testing. Allele origin: germline.

Labcorp Genetics (formerly Invitae), Labcorp
Classification: Uncertain significance for Renal cell carcinoma. Last evaluated: 2024-12-04. Review status: criteria provided, single submitter. Criteria: Invitae Variant Classification Sherloc (09022015). Collection method: clinical testing. Allele origin: germline.
Comment: This sequence change replaces serine, which is neutral and polar, with asparagine, which is neutral and polar, at codon 102 of the MET protein (p.Ser102Asn). This variant is present in population databases (rs779897466, gnomAD 0.003%). This variant has not been reported in the literature in individuals affected with MET-related conditions. ClinVar contains an entry for this variant (Variation ID: 584707). Invitae Evidence Modeling of protein sequence and biophysical properties (such as structural, functional, and spatial information, amino acid conservation, physicochemical variation, residue mobility, and thermodynamic stability) indicates that this missense variant is not expected to disrupt MET protein function with a negative predictive value of 80%. In summary, the available evidence is currently insufficient to determine the role of this variant in disease. Therefore, it has been classified as a Variant of Uncertain Significance.

GeneDx
Classification: Uncertain significance. Last evaluated: 2024-09-24. Review status: criteria provided, single submitter. Criteria: GeneDx Variant Classification Process June 2021. Collection method: clinical testing. Allele origin: germline. Affected: yes.
Comment: Observed in individuals with breast cancer (PMID: 35264596); Not observed at significant frequency in large population cohorts (gnomAD); In silico analysis indicates that this missense variant does not alter protein structure/function; This variant is associated with the following publications: (PMID: 35264596)

Mendelics
Classification: Likely benign for Hereditary cancer. Last evaluated: 2024-01-23. Review status: criteria provided, single submitter. Criteria: ACMG Guidelines, 2015. Collection method: clinical testing. Allele origin: unknown.

Literature cited by the submitters: PubMed 35264596 (cited by Ambry Genetics).